The following is an entry in ClinVar:

ClinVar aggregate classification (germline): Uncertain significance (1 of 4 stars; one submission).

Conditions:
Amyotrophic lateral sclerosis type 4 (ALS4). Also called: AMYOTROPHIC LATERAL SCLEROSIS 4, JUVENILE; NEURONOPATHY, DISTAL HEREDITARY MOTOR, WITH PYRAMIDAL FEATURES. Identifiers: Orphanet 357043, MedGen C1865409, MONDO:0011223, OMIM 602433.
Spinocerebellar ataxia, autosomal recessive, with axonal neuropathy 2 (SCAN2). Also called: Ataxia with Oculomotor Apraxia Type 2; ATAXIA-OCULOMOTOR APRAXIA 2; Ataxia-ocular apraxia-2; Ataxia with Oculomotor Apraxia. Identifiers: Orphanet 64753, MedGen C1853761, MONDO:0018996, OMIM 606002.

Submission:

Labcorp Genetics (formerly Invitae), Labcorp
Classification: Uncertain significance for Amyotrophic lateral sclerosis type 4; Spinocerebellar ataxia, autosomal recessive, with axonal neuropathy 2. Last evaluated: 2024-08-22. Review status: criteria provided, single submitter. Criteria: Invitae Variant Classification Sherloc (09022015). Collection method: clinical testing. Allele origin: germline.
Comment: This sequence change replaces lysine, which is basic and polar, with glutamic acid, which is acidic and polar, at codon 647 of the SETX protein (p.Lys647Glu). This variant is not present in population databases (gnomAD no frequency). This variant has not been reported in the literature in individuals affected with SETX-related conditions. Invitae Evidence Modeling of protein sequence and biophysical properties (such as structural, functional, and spatial information, amino acid conservation, physicochemical variation, residue mobility, and thermodynamic stability) indicates that this missense variant is not expected to disrupt SETX protein function with a negative predictive value of 95%. In summary, the available evidence is currently insufficient to determine the role of this variant in disease. Therefore, it has been classified as a Variant of Uncertain Significance.

NM_015046.7(SETX):c.1939A>G (p.Lys647Glu)

Gene: SETX (senataxin; minus strand). Cytogenetic location: 9q34.13.
Variant type: single nucleotide variant.
Coding change: c.1939A>G on transcript NM_015046.7 (MANE Select); coding-DNA position 1939, A replaced by G.
Protein change: p.Lys647Glu; replaces lysine 647 with glutamic acid.
Molecular consequence: missense variant.
Genome position (GRCh38, 1-based): chr9:132,329,659, T>C on the plus strand (A>G on the coding strand, the complement: SETX is on the minus strand). VCF-style: chr9-132329659-T-C. GRCh37 (hg19) VCF-style: chr9-135205046-T-C.
Other names: c.1939A>G, p.Lys647Glu (NM_001351527.2, NM_001351528.2); short protein forms K647E.
Identifiers: ClinVar variation 3763051 (VCV003763051.2).